The following is an entry in ClinVar:

NM_017654.4(SAMD9):c.2557G>A (p.Val853Ile)

Gene: SAMD9 (sterile alpha motif domain containing 9; minus strand). Cytogenetic location: 7q21.2.
Variant type: single nucleotide variant.
Coding change: c.2557G>A on transcript NM_017654.4 (MANE Select); coding-DNA position 2557, G replaced by A.
Protein change: p.Val853Ile; replaces valine 853 with isoleucine.
Molecular consequence: missense variant.
Genome position (GRCh38, 1-based): chr7:93,103,541, C>T on the plus strand (G>A on the coding strand, the complement: SAMD9 is on the minus strand). VCF-style: chr7-93103541-C-T. GRCh37 (hg19) VCF-style: chr7-92732854-C-T.
Other names: c.2557G>A, p.Val853Ile (NM_001193307.2); c.2557G>A (NM_017654.3); short protein forms V853I.
Identifiers: ClinVar variation 1418252 (VCV001418252.19), dbSNP rs534758372, ClinGen allele CA4342820.
Genomic context (GRCh38, chr7:93,103,541, plus strand): 5'-TGATTTCTTTCAATTTAAGCTCAAAAGCTCTCTGTTCTTTGGGAGAGAGTTGCTGTATTA[C>T]GGCAATACTGTCTGGGATCCTTGCACTTTTTTCAGGATTTTGTGATCTCATACAATTTAG-3'
Protein context (NP_060124.2, residues 843-863): KSARIPDSIA[Val853Ile]IQQLSPKEQR

ClinVar aggregate classification (germline): Uncertain significance. Review status: criteria provided, multiple submitters, no conflicts (2 of 4 stars). 3 submissions from 3 submitters: Uncertain significance (3). Last evaluated 2025-09-28.

Allele frequency attached by ClinVar (database versions not stated): gnomAD 0.00002 and 0.00003; gnomAD exomes 0.00004; ExAC 0.00005; TOPMed 0.00005; 1000 Genomes Project 30x 0.00016; 1000 Genomes Project 0.00020.
gnomAD v4.1: 50 of 1,613,612 alleles (0.0031%); highest among the groups gnomAD compares: Middle Eastern, 0.016%; no homozygotes.

Submissions (3):

Labcorp Genetics (formerly Invitae), Labcorp
Classification: Uncertain significance. Last evaluated: 2025-09-28. Review status: criteria provided, single submitter. Criteria: Invitae Variant Classification Sherloc (09022015). Collection method: clinical testing. Allele origin: germline.
Comment: This sequence change replaces valine, which is neutral and non-polar, with isoleucine, which is neutral and non-polar, at codon 853 of the SAMD9 protein (p.Val853Ile). This variant is present in population databases (rs534758372, gnomAD 0.01%). This variant has not been reported in the literature in individuals affected with SAMD9-related conditions. ClinVar contains an entry for this variant (Variation ID: 1418252). Invitae Evidence Modeling of protein sequence and biophysical properties (such as structural, functional, and spatial information, amino acid conservation, physicochemical variation, residue mobility, and thermodynamic stability) indicates that this missense variant is not expected to disrupt SAMD9 protein function with a negative predictive value of 95%. In summary, the available evidence is currently insufficient to determine the role of this variant in disease. Therefore, it has been classified as a Variant of Uncertain Significance.

GeneDx
Classification: Uncertain significance. Last evaluated: 2024-10-11. Review status: criteria provided, single submitter. Criteria: GeneDx Variant Classification Process June 2021. Collection method: clinical testing. Allele origin: germline. Affected: yes.
Comment: In silico analysis indicates that this missense variant does not alter protein structure/function; Has not been previously published as pathogenic or benign to our knowledge; This variant is associated with the following publications: (PMID: 28545555, 35419889)

CeGaT Center for Human Genetics Tuebingen
Classification: Uncertain significance. Last evaluated: 2024-09-01. Review status: criteria provided, single submitter. Criteria: CeGaT Center For Human Genetics Tuebingen Variant Classification Criteria Version 2. Collection method: clinical testing. Allele origin: germline. Affected: yes. Observed: 1 variant allele.
Comment: SAMD9: PS2:Supporting, BP4